The following is an entry in ClinVar:

NM_005732.4(RAD50):c.3632T>A (p.Leu1211His)

Genes: TH2LCRR (T helper type 2 locus control region associated RNA; minus strand), RAD50 (RAD50 double strand break repair protein; plus strand), TH2-LCR (Th2 cytokine locus control region; plus strand). Cytogenetic location: 5q31.1.
Variant type: single nucleotide variant.
Coding change: c.3632T>A on transcript NM_005732.4 (MANE Select); coding-DNA position 3632, T replaced by A.
Protein change: p.Leu1211His; replaces leucine 1211 with histidine.
Molecular consequence: missense variant.
Genome position (GRCh38, 1-based): chr5:132,640,685, T>A. VCF-style: chr5-132640685-T-A. GRCh37 (hg19) VCF-style: chr5-131976377-T-A.
Other names: c.3632T>A (NM_005732.3); short protein forms L1211H.
Identifiers: ClinVar variation 1024799 (VCV001024799.10), dbSNP rs1274354295, ClinGen allele CA360933592.
Genomic context (GRCh38, chr5:132,640,685, plus strand): 5'-GATGAGAAGGTCTGTGCTGGGCTTCTCACATAGGGGCTTTTTTCCAGGTATTAGCCTCAC[T>A]CATCATTCGCCTGGCCCTGGCTGAAACGTTCTGCCTCAACTGTGGCATCATTGCCTTGGA-3'
Protein context (NP_005723.2, residues 1201-1221): CSAGQKVLAS[Leu1211His]IIRLALAETF

ClinVar aggregate classification (germline): Uncertain significance. Review status: criteria provided, multiple submitters, no conflicts (2 of 4 stars). 2 submissions from 2 submitters: Uncertain significance (2). Last evaluated 2025-08-23.

Conditions:
Hereditary cancer-predisposing syndrome. Also called: Hereditary Cancer Syndrome; Neoplastic Syndromes, Hereditary; Tumor predisposition; Hereditary neoplastic syndrome. Identifiers: Orphanet 140162, MedGen C0027672, MeSH D009386, MONDO:0015356.

Allele frequency attached by ClinVar (database versions not stated): TOPMed below 0.00001; gnomAD 0.00001.
gnomAD v4.1: 1 of 1,614,102 alleles (0.000062%); highest among the groups gnomAD compares: Non-Finnish European, 0.000085%; no homozygotes.

Submissions (2):

Ambry Genetics
Classification: Uncertain significance for Hereditary cancer-predisposing syndrome. Last evaluated: 2025-08-23. Review status: criteria provided, single submitter. Criteria: Ambry Variant Classification Scheme 2023. Collection method: clinical testing. Allele origin: germline.
Comment: The p.L1211H variant (also known as c.3632T>A), located in coding exon 24 of the RAD50 gene, results from a T to A substitution at nucleotide position 3632. The leucine at codon 1211 is replaced by histidine, an amino acid with similar properties. This amino acid position is conserved. In addition, this alteration is predicted to be deleterious by in silico analysis. Based on the available evidence, the clinical significance of this variant remains unclear.

Labcorp Genetics (formerly Invitae), Labcorp
Classification: Uncertain significance for Hereditary cancer-predisposing syndrome. Last evaluated: 2020-06-01. Review status: criteria provided, single submitter. Criteria: Invitae Variant Classification Sherloc (09022015). Collection method: clinical testing. Allele origin: germline.
Comment: This sequence change replaces leucine with histidine at codon 1211 of the RAD50 protein (p.Leu1211His). The leucine residue is moderately conserved and there is a moderate physicochemical difference between leucine and histidine. This variant is not present in population databases (ExAC no frequency). In summary, the available evidence is currently insufficient to determine the role of this variant in disease. Therefore, it has been classified as a Variant of Uncertain Significance. Algorithms developed to predict the effect of missense changes on protein structure and function are either unavailable or do not agree on the potential impact of this missense change (SIFT: "Deleterious"; PolyPhen-2: "Probably Damaging"; Align-GVGD: "Class C0"). This variant has not been reported in the literature in individuals with RAD50-related conditions.